The following is an entry in ClinVar:

ClinVar aggregate classification (germline): Uncertain significance (1 of 4 stars; one submission).

Conditions:
Left ventricular noncompaction 1 (LVNC1). Also called: LEFT VENTRICULAR NONCOMPACTION 1 WITH OR WITHOUT CONGENITAL HEART DEFECTS. Identifiers: Orphanet 54260, MedGen C1858725, MONDO:0011403, OMIM 604169.

Allele frequency attached by ClinVar (database versions not stated): ExAC 0.00001.
gnomAD v4.1: 4 of 1,613,910 alleles (0.00025%); highest among the groups gnomAD compares: Admixed American, 0.0033%; no homozygotes.

Submission:

Labcorp Genetics (formerly Invitae), Labcorp
Classification: Uncertain significance for Left ventricular noncompaction 1. Last evaluated: 2020-12-06. Review status: criteria provided, single submitter. Criteria: Invitae Variant Classification Sherloc (09022015). Collection method: clinical testing. Allele origin: germline.
Comment: This sequence change replaces asparagine with isoleucine at codon 343 of the DTNA protein (p.Asn343Ile). The asparagine residue is moderately conserved and there is a large physicochemical difference between asparagine and isoleucine. In summary, the available evidence is currently insufficient to determine the role of this variant in disease. Therefore, it has been classified as a Variant of Uncertain Significance. Algorithms developed to predict the effect of missense changes on protein structure and function are either unavailable or do not agree on the potential impact of this missense change (SIFT: "Deleterious"; PolyPhen-2: "Possibly Damaging"; Align-GVGD: "Class C0"). This variant has not been reported in the literature in individuals with DTNA-related conditions. This variant is present in population databases (rs774372435, ExAC 0.001%).

NM_001386795.1(DTNA):c.1028A>T (p.Asn343Ile)

Gene: DTNA (dystrobrevin alpha; plus strand). Cytogenetic location: 18q12.1.
Variant type: single nucleotide variant.
Coding change: c.1028A>T on transcript NM_001386795.1 (MANE Select); coding-DNA position 1028, A replaced by T.
Protein change: p.Asn343Ile; replaces asparagine 343 with isoleucine.
Molecular consequence: missense variant. On other transcripts: intron variant (1).
Genome position (GRCh38, 1-based): chr18:34,827,619, A>T. VCF-style: chr18-34827619-A-T. GRCh37 (hg19) VCF-style: chr18-32407583-A-T.
Other names: c.1028A>T, p.Asn343Ile (NM_001128175.2, NM_001198938.2, NM_001198939.2 and 26 more transcripts); c.74A>T, p.Asn25Ile (NM_001198942.1, NM_001198944.1, NM_032980.4 and 1 more transcripts); c.278A>T, p.Asn93Ile (NM_001198943.1); c.1037A>T, p.Asn346Ile (NM_001386761.1, NM_001386762.1, NM_001386775.1 and 5 more transcripts); c.603+15506A>T (NM_001198945.2); short protein forms N25I, N343I, N346I, N93I.
Identifiers: ClinVar variation 1002442 (VCV001002442.8), dbSNP rs774372435, ClinGen allele CA8935564.
Genomic context (GRCh38, chr18:34,827,619, plus strand): 5'-TTTAACTTTCCATTCACCCTGTGTTTTGTTTTAGGCCTCCCAGACCTGTAACCAGCATGA[A>T]CGACACCCTGTTCTCCCACTCTGTTCCCTCCTCAGGAAGTCCTTTTATTACCAGGAGGTA-3'
Protein context (NP_001373724.1, residues 333-353): IVPPRPVTSM[Asn343Ile]DTLFSHSVPS